The following is an entry in ClinVar:

ClinVar aggregate classification (germline): Uncertain significance (1 of 4 stars; one submission).

Conditions:
TM9SF4-related disorder. Also called: TM9SF4-related condition.

Allele frequency attached by ClinVar (database versions not stated): gnomAD exomes below 0.00001; gnomAD 0.00001; TOPMed 0.00001.
gnomAD v4.1: 2 of 1,613,698 alleles (0.00012%); highest among the groups gnomAD compares: African/African-American, 0.0013%; no homozygotes.

Submission:

PreventionGenetics, part of Exact Sciences
Classification: Uncertain significance for TM9SF4-related condition. Last evaluated: 2023-01-06. Review status: criteria provided, single submitter. Criteria: ACMG Guidelines, 2015. Collection method: clinical testing. Allele origin: germline.
Comment: The TM9SF4 c.562T>C variant is predicted to result in the amino acid substitution p.Tyr188His. To our knowledge, this variant has not been reported in the literature or in a large population database, indicating this variant is rare. At this time, the clinical significance of this variant is uncertain due to the absence of conclusive functional and genetic evidence.

NM_014742.4(TM9SF4):c.562T>C (p.Tyr188His)

Gene: TM9SF4 (transmembrane 9 superfamily member 4; plus strand). Cytogenetic location: 20q11.21.
Variant type: single nucleotide variant.
Coding change: c.562T>C on transcript NM_014742.4 (MANE Select); coding-DNA position 562, T replaced by C.
Protein change: p.Tyr188His; replaces tyrosine 188 with histidine.
Molecular consequence: missense variant.
Genome position (GRCh38, 1-based): chr20:32,143,015, T>C. VCF-style: chr20-32143015-T-C. GRCh37 (hg19) VCF-style: chr20-30730818-T-C.
Other names: c.511T>C, p.Tyr171His (NM_001363731.2); short protein forms Y171H, Y188H.
Identifiers: ClinVar variation 2630080 (VCV002630080.1), dbSNP rs1356160798, ClinGen allele CA408549195.